The following is an entry in ClinVar:

NM_001846.4(COL4A2):c.2582G>A (p.Arg861His)

Gene: COL4A2 (collagen type IV alpha 2 chain; plus strand). Cytogenetic location: 13q34.
Variant type: single nucleotide variant.
Coding change: c.2582G>A on transcript NM_001846.4 (MANE Select); coding-DNA position 2582, G replaced by A.
Protein change: p.Arg861His; replaces arginine 861 with histidine.
Molecular consequence: missense variant.
Genome position (GRCh38, 1-based): chr13:110,478,159, G>A. VCF-style: chr13-110478159-G-A. GRCh37 (hg19) VCF-style: chr13-111130506-G-A.
Other names: short protein forms R861H.
Identifiers: ClinVar variation 2174133 (VCV002174133.4), dbSNP rs370815108, ClinGen allele CA7049943.
Genomic context (GRCh38, chr13:110,478,159, plus strand): 5'-ATGGATTCCCAGGAGCTCCTGGCCAAGAGGGGCCCTTGGGGCTGCCAGGAATCCCAGGCC[G>A]TGAAGGTAAGACCCCAGCCCTCCCATAAACGAGTGGGGTCCTCACTGGTCCTGCCAAGAG-3'
Protein context (NP_001837.2, residues 851-871): GPLGLPGIPG[Arg861His]EGLPGDRGDP

ClinVar aggregate classification (germline): Uncertain significance (1 of 4 stars; one submission).

Allele frequency attached by ClinVar (database versions not stated): ExAC 0.00001; gnomAD 0.00001; ESP Exome Variant Server 0.00008; TOPMed 0.00003.
gnomAD v4.1: 36 of 1,589,476 alleles (0.0023%); highest among the groups gnomAD compares: Non-Finnish European, 0.0025%; no homozygotes.

Submission:

Labcorp Genetics (formerly Invitae), Labcorp
Classification: Uncertain significance. Last evaluated: 2025-03-17. Review status: criteria provided, single submitter. Criteria: Invitae Variant Classification Sherloc (09022015). Collection method: clinical testing. Allele origin: germline.
Comment: This sequence change replaces arginine, which is basic and polar, with histidine, which is basic and polar, at codon 861 of the COL4A2 protein (p.Arg861His). The frequency data for this variant in the population databases is considered unreliable, as metrics indicate poor data quality at this position in the gnomAD database. This variant has not been reported in the literature in individuals affected with COL4A2-related conditions. ClinVar contains an entry for this variant (Variation ID: 2174133). Invitae Evidence Modeling of protein sequence and biophysical properties (such as structural, functional, and spatial information, amino acid conservation, physicochemical variation, residue mobility, and thermodynamic stability) indicates that this missense variant is not expected to disrupt COL4A2 protein function with a negative predictive value of 95%. In summary, the available evidence is currently insufficient to determine the role of this variant in disease. Therefore, it has been classified as a Variant of Uncertain Significance.